The following is an entry in ClinVar:

NM_001967.4(EIF4A2):c.463A>G (p.Ile155Val)

Gene: EIF4A2 (eukaryotic translation initiation factor 4A2; plus strand). Cytogenetic location: 3q27.3.
Variant type: single nucleotide variant.
Coding change: c.463A>G on transcript NM_001967.4 (MANE Select); coding-DNA position 463, A replaced by G.
Protein change: p.Ile155Val; replaces isoleucine 155 with valine.
Molecular consequence: missense variant.
Genome position (GRCh38, 1-based): chr3:186,785,997, A>G. VCF-style: chr3-186785997-A-G. GRCh37 (hg19) VCF-style: chr3-186503786-A-G.
Other names: short protein forms I155V.
Identifiers: ClinVar variation 5035870 (VCV005035870.1).
Genomic context (GRCh38, chr3:186,785,997, plus strand): 5'-TGCATTGGTGGAACAAATGTTCGAAATGAAATGCAAAAACTGCAGGCTGAAGCACCACAT[A>G]TTGTTGTTGGTACACCCGGGAGAGTGTTTGATATGTTAAACAGAAGATACCTTTGTAAGT-3'
Protein context (NP_001958.2, residues 145-165): MQKLQAEAPH[Ile155Val]VVGTPGRVFD

ClinVar aggregate classification (germline): Uncertain significance (1 of 4 stars; one submission).

Conditions:
Inborn genetic diseases. Identifiers: MedGen C0950123, MeSH D030342.

gnomAD v4.1: 12 of 1,613,230 alleles (0.00074%); highest among the groups gnomAD compares: Middle Eastern, 0.016%; no homozygotes.

Submission:

Ambry Genetics
Classification: Uncertain significance for Inborn genetic diseases. Last evaluated: 2026-07-08. Review status: criteria provided, single submitter. Criteria: Ambry Variant Classification Scheme 2023. Collection method: clinical testing. Allele origin: germline.
Comment: The c.463A>G (p.I155V) alteration is located in exon 5 (coding exon 5) of the EIF4A2 gene. This alteration results from a A to G substitution at nucleotide position 463, causing the isoleucine (I) at amino acid position 155 to be replaced by a valine (V). Based on data from gnomAD, the G allele has an overall frequency of <0.001% (1/251404) total alleles studied. The highest observed frequency was 0.001% (1/113686) of European (non-Finnish) alleles. Based on insufficient or conflicting evidence, the clinical significance of this alteration remains unclear.